The following is an entry in ClinVar:

NM_001114753.3(ENG):c.662T>C (p.Leu221Pro)

Gene: ENG (endoglin; minus strand). Cytogenetic location: 9q34.11.
Variant type: single nucleotide variant.
Coding change: c.662T>C on transcript NM_001114753.3 (MANE Select); coding-DNA position 662, T replaced by C.
Protein change: p.Leu221Pro; replaces leucine 221 with proline.
Molecular consequence: missense variant.
Genome position (GRCh38, 1-based): chr9:127,825,722, A>G on the plus strand (T>C on the coding strand, the complement: ENG is on the minus strand). VCF-style: chr9-127825722-A-G. GRCh37 (hg19) VCF-style: chr9-130588001-A-G.
Other names: NM_001114753.3(ENG):c.662T>C; p.Leu221Pro; c.662T>C, p.Leu221Pro (NM_000118.4, NM_001406715.1); c.116T>C, p.Leu39Pro (NM_001278138.2); short protein forms L221P, L39P.
Identifiers: ClinVar variation 435060 (VCV000435060.32), dbSNP rs1554810378, ClinGen allele CA374983528.

ClinVar aggregate classification (germline): Likely pathogenic. Review status: reviewed by expert panel (3 of 4 stars). 8 submissions from 8 submitters: Likely pathogenic (1). 7 of the submissions do not count toward it. Last evaluated 2024-03-15.

Conditions:
Hereditary hemorrhagic telangiectasia (HHT). Also called: ORW DISEASE; Osler Weber Rendu syndrome; OSLER-RENDU-WEBER DISEASE; Osler hemorrhagic telangiectasia syndrome. Identifiers: Orphanet 774, MedGen C0039445, MONDO:0019180. Disease mechanism: loss of function.
Cardiovascular phenotype. Identifiers: MedGen CN230736.
ENG-related disorder. Also called: ENG-related condition; ENG-related disorders.
Telangiectasia, hereditary hemorrhagic, type 1 (HHT1). Also called: Osler Weber Rendu syndrome type 1; ENG-Related Hereditary Hemorrhagic Telangiectasia. Identifiers: Orphanet 774, MedGen C4551861, MONDO:0008535, OMIM 187300. Disease mechanism: loss of function.

Submissions (8):

ClinGen Hereditary Hemorrhagic Telangiectasia Variant Curation Expert Panel, ClinGen
Classification: Likely pathogenic for Telangiectasia, hereditary hemorrhagic, type 1. Last evaluated: 2024-03-15. Review status: reviewed by expert panel. Criteria: ClinGen HHT ACMG Specifications ENG V1.1.0. Collection method: curation. Allele origin: germline. Inheritance: Autosomal dominant inheritance.
Comment: The NM_001114753.3: c.662T>C variant in ENG is a missense variant predicted to cause substitution of leucine by proline at amino acid 221 (p.Leu221Pro). This variant is absent from gnomAD v2.1.1 (PM2_Supporting). This variant has been reported in >10 probands with a phenotype consistent with HHT (PS4; PMID: 10545596, 15880681, 17384219, 18498373, 20414677, 22991266, Internal lab contributors). At least one patient's phenotype meets Curacao Criteria for HHT, and sequencing and large deletion/duplication analysis was performed for ENG and ACVRL1, which is highly specific for HHT (PP4_Moderate; Internal lab contributors). The computational predictor REVEL gives a score of 0.478, which is neither above nor below the thresholds predicting a damaging or benign impact on ENG function. However, protein expression assays in cell lines showed the variant causes reduced endoglin expression (PS3_Supporting; PMID: 10545596). In summary, this variant meets the criteria to be classified as likely pathogenic for autosomal dominant hereditary hemorrhagic telangiectasia based on the ACMG/AMP criteria applied, as specified by the ClinGen Hereditary Hemorrhagic Telangiectasia Variant Curation Expert Panel: PS4, PP4_Moderate, PS3_Supporting, PM2_Supporting (specification version 1.0.0; 1/4/2024).

Ambry Genetics
Classification: Pathogenic for Cardiovascular phenotype. Last evaluated: 2026-01-16. Review status: criteria provided, single submitter. Criteria: Ambry Variant Classification Scheme 2023. Collection method: clinical testing. Allele origin: germline. Not counted in ClinVar's aggregate classification.
Comment: The c.662T>C (p.L221P) alteration is located in exon 5 (coding exon 5) of the ENG gene. This alteration results from a T to C substitution at nucleotide position 662, causing the leucine (L) at amino acid position 221 to be replaced by a proline (P). This variant was not reported in population-based cohorts in the Genome Aggregation Database (gnomAD). This variant has been reported in multiple individuals with a clinical diagnosis of hereditary hemorrhagic telangiectasia (HHT) (Schulte, 2005; Kuehl, 2005; Gedge, 2007; Brakensiek, 2008; Ambry internal data). This amino acid position is not well conserved in available vertebrate species. Functional studies suggest this variant leads to misfolding of the protein and significant reductions in overall expression on the cell surface in activated monocytes from an individual with a clinical diagnosis of HHT as well as in transfected COS-1 cells (Pece-Barbara, 1999). The in silico prediction for this alteration is inconclusive. Based on the available evidence, this alteration is classified as pathogenic.

Mayo Clinic Laboratories, Mayo Clinic
Classification: Likely pathogenic. Last evaluated: 2025-10-10. Review status: criteria provided, single submitter. Criteria: ACMG Guidelines, 2015. Collection method: clinical testing. Allele origin: germline. Observed: 1 variant allele. Not counted in ClinVar's aggregate classification.
Comment: PP4_moderate, PM2_supporting, PS3_supporting, PS4

Labcorp Genetics (formerly Invitae), Labcorp
Classification: Pathogenic for Hereditary hemorrhagic telangiectasia. Last evaluated: 2025-08-13. Review status: criteria provided, single submitter. Criteria: Invitae Variant Classification Sherloc (09022015). Collection method: clinical testing. Allele origin: germline. Not counted in ClinVar's aggregate classification.
Comment: This sequence change replaces leucine, which is neutral and non-polar, with proline, which is neutral and non-polar, at codon 221 of the ENG protein (p.Leu221Pro). This variant is not present in population databases (gnomAD no frequency). This missense change has been observed in individuals with hereditary hemorrhagic telangiectasia (PMID: 10545596, 11440987, 15712270, 15880681, 16690726, 18498373, 21158752, 22991266). ClinVar contains an entry for this variant (Variation ID: 435060). Invitae Evidence Modeling of protein sequence and biophysical properties (such as structural, functional, and spatial information, amino acid conservation, physicochemical variation, residue mobility, and thermodynamic stability) has been performed for this missense variant. However, the output from this modeling did not meet the statistical confidence thresholds required to predict the impact of this variant on ENG protein function. Studies have shown that this missense change alters ENG gene expression (PMID: 10545596). For these reasons, this variant has been classified as Pathogenic.

GeneDx
Classification: Pathogenic. Last evaluated: 2025-07-18. Review status: criteria provided, single submitter. Criteria: GeneDx Variant Classification Process June 2021. Collection method: clinical testing. Allele origin: germline. Affected: yes. Not counted in ClinVar's aggregate classification.
Comment: Identified in multiple patients meeting clinical criteria for HHT in published literature (PMID: 15712270, 15880681, 17384219); Published functional studies demonstrate p.(L221P) has a damaging effect by leading to protein misfolding and minimal protein expression at the cell surface (PMID: 10545596); Not observed at significant frequency in large population cohorts (gnomAD); In silico analysis supports that this missense variant has a deleterious effect on protein structure/function; This variant is associated with the following publications: (PMID: 18498373, 16690726, 15880681, 17384219, 22991266, 21158752, 11440987, 32300199, 15712270, 10545596)

Women's Health and Genetics/Laboratory Corporation of America, LabCorp
Classification: Pathogenic for ENG-Related Disorders. Last evaluated: 2023-09-22. Review status: criteria provided, single submitter. Criteria: LabCorp Variant Classification Summary - May 2015. Collection method: clinical testing. Allele origin: germline. Not counted in ClinVar's aggregate classification.
Comment: Variant summary: ENG c.662T>C (p.Leu221Pro) results in a non-conservative amino acid change in the encoded protein sequence. Four of five in-silico tools predict a damaging effect of the variant on protein function. The variant was absent in 214184 control chromosomes (gnomAD). c.662T>C has been reported in the literature in individuals affected with Hereditary Hemorrhagic Telangiectasia (examples: Nishida_2012, and Pece-Barbara_1999). These data indicate that the variant is likely to be associated with disease. At least one publication reports experimental evidence that this variant results in reduced expression of fully processed normal endoglin (Pece-Barbara_1999). The following publications have been ascertained in the context of this evaluation (PMID: 22991266, 10545596). Five submitters have cited clinical-significance assessments for this variant to ClinVar after 2014. All submitters classified the variant as pathogenic/likely pathogenic. Based on the evidence outlined above, the variant was classified as pathogenic.

ARUP Laboratories, Molecular Genetics and Genomics, ARUP Laboratories
Classification: Pathogenic for Telangiectasia, hereditary hemorrhagic, type 1. Last evaluated: 2020-04-28. Review status: criteria provided, single submitter. Criteria: ARUP Molecular Germline Variant Investigation Process. Collection method: clinical testing. Allele origin: germline. Not counted in ClinVar's aggregate classification.
Comment: The ENG c.662T>C; p.Leu221Pro variant is reported in multiple unrelated individuals and families with HHT (Gedge 2007, Kuehl 2005, Pece-Barbara 1999, Nishida 2012, Schulte 2005), and is classified as pathogenic in the ClinVar database (Variation ID: 435060). Experimental studies demonstrated that the variant causes reduced endoglin expression (Pece-Barbara 1999). This variant is absent from general population databases (Exome Variant Server, Genome Aggregation Database), indicating it is not a common polymorphism. The leucine at codon 221 is not highly conserved, but computational analyses (SIFT, PolyPhen-2) predict that this variant is deleterious. Based on available information, this variant is considered to be pathogenic. REFERENCES Gedge F et al. Clinical and analytical sensitivities in hereditary hemorrhagic telangiectasia testing and a report of de novo mutations. J Mol Diagn. 2007 Apr;9(2):258-65. Kuehl HK et al. Hepatic manifestation is associated with ALK1 in hereditary hemorrhagic telangiectasia: identification of five novel ALK1 and one novel ENG mutations. Hum Mutat. 2005 Mar;25(3):320. Pece-Barbara N et al. Expression analysis of four endoglin missense mutations suggests that haploinsufficiency is the predominant mechanism for hereditary hemorrhagic telangiectasia type 1. Hum Mol Genet. 1999 Nov;8(12):2171-81. Nishida T et al. Brain arteriovenous malformations associated with hereditary hemorrhagic telangiectasia: gene-phenotype correlations. Am J Med Genet A. 2012 Nov;158A(11):2829-34. Schulte C et al. High frequency of ENG and ALK1/ACVRL1 mutations in German HHT patients. Hum Mutat. 2005 Jun;25(6):595.

Genetic Services Laboratory, University of Chicago
Classification: Pathogenic for Telangiectasia, hereditary hemorrhagic, type 1. Last evaluated: 2017-04-15. Review status: criteria provided, single submitter. Criteria: ACMG Guidelines, 2015. Collection method: clinical testing. Allele origin: germline. Affected: yes. Not counted in ClinVar's aggregate classification.

Literature cited by the submitters: PubMed 10545596 (cited by 4 submitters); PubMed 15712270 (cited by 3 submitters); PubMed 15880681 (cited by 3 submitters); PubMed 17384219 (cited by Ambry Genetics and Mayo Clinic Laboratories, Mayo Clinic); PubMed 18498373 (cited by 3 submitters); PubMed 10749981 (cited by Mayo Clinic Laboratories, Mayo Clinic); PubMed 11440987 (cited by Mayo Clinic Laboratories, Mayo Clinic and Labcorp Genetics (formerly Invitae), Labcorp); PubMed 16690726 (cited by Mayo Clinic Laboratories, Mayo Clinic and Labcorp Genetics (formerly Invitae), Labcorp); PubMed 16752392 (cited by Mayo Clinic Laboratories, Mayo Clinic); PubMed 20414677 (cited by Mayo Clinic Laboratories, Mayo Clinic); PubMed 21158752 (cited by Mayo Clinic Laboratories, Mayo Clinic and Labcorp Genetics (formerly Invitae), Labcorp); PubMed 22991266 (cited by 3 submitters).